The following is an entry in ClinVar:

ClinVar aggregate classification (germline): Uncertain significance (1 of 4 stars; one submission).

Conditions:
Inborn genetic diseases. Identifiers: MedGen C0950123, MeSH D030342.

Allele frequency attached by ClinVar (database versions not stated): gnomAD exomes below 0.00001.
gnomAD v4.1: 1 of 1,593,428 alleles (0.000063%); highest among the groups gnomAD compares: Non-Finnish European, 0.000086%; no homozygotes.

Submission:

Ambry Genetics
Classification: Uncertain significance for Inborn genetic diseases. Last evaluated: 2017-03-15. Review status: criteria provided, single submitter. Criteria: Ambry Variant Classification Scheme 2023. Collection method: clinical testing. Allele origin: germline.
Comment: The p.D371G variant (also known as c.1112A>G), located in coding exon 7 of the POGZ gene, results from an A to G substitution at nucleotide position 1112. The aspartic acid at codon 371 is replaced by glycine, an amino acid with similar properties. This amino acid position is highly conserved in available vertebrate species. In addition, the in silico prediction for this alteration is inconclusive. Since supporting evidence is limited at this time, the clinical significance of this alteration remains unclear.

NM_015100.4(POGZ):c.1112A>G (p.Asp371Gly)

Gene: POGZ (pogo transposable element derived with ZNF domain; minus strand). Cytogenetic location: 1q21.3.
Variant type: single nucleotide variant.
Coding change: c.1112A>G on transcript NM_015100.4 (MANE Select); coding-DNA position 1112, A replaced by G.
Protein change: p.Asp371Gly; replaces aspartic acid 371 with glycine.
Molecular consequence: missense variant.
Genome position (GRCh38, 1-based): chr1:151,425,028, T>C on the plus strand (A>G on the coding strand, the complement: POGZ is on the minus strand). VCF-style: chr1-151425028-T-C. GRCh37 (hg19) VCF-style: chr1-151397504-T-C.
Other names: c.1085A>G, p.Asp362Gly (NM_001194937.2); c.926A>G, p.Asp309Gly (NM_001194938.2); c.827A>G, p.Asp276Gly (NM_145796.4); c.953A>G, p.Asp318Gly (NM_207171.2); short protein forms D371G, D276G, D362G, D309G, D318G.
Identifiers: ClinVar variation 589575 (VCV000589575.5), dbSNP rs1557903928, ClinGen allele CA341974120.